The following is an entry in ClinVar:

ClinVar aggregate classification (germline): Likely benign. Review status: criteria provided, multiple submitters, no conflicts (2 of 4 stars). 2 submissions from 2 submitters: Likely benign (2). Last evaluated 2025-09-08.

Conditions:
Familial hemiplegic migraine. Identifiers: MedGen C0338484, MONDO:0000700.

Allele frequency attached by ClinVar (database versions not stated): ExAC 0.00002; ESP Exome Variant Server 0.00008; TOPMed 0.00010; gnomAD 0.00013 and 0.00014.
gnomAD v4.1: 39 of 1,614,016 alleles (0.0024%); highest among the groups gnomAD compares: African/African-American, 0.033%; no homozygotes.

Submissions (2):

Labcorp Genetics (formerly Invitae), Labcorp
Classification: Likely benign for Familial hemiplegic migraine. Last evaluated: 2025-09-08. Review status: criteria provided, single submitter. Criteria: Invitae Variant Classification Sherloc (09022015). Collection method: clinical testing. Allele origin: germline.

GeneDx
Classification: Likely benign. Last evaluated: 2017-04-05. Review status: criteria provided, single submitter. Criteria: GeneDx Variant Classification (06012015). Collection method: clinical testing. Allele origin: germline. Affected: yes.
Comment: This variant is considered likely benign or benign based on one or more of the following criteria: it is a conservative change, it occurs at a poorly conserved position in the protein, it is predicted to be benign by multiple in silico algorithms, and/or has population frequency not consistent with disease.

NM_000702.4(ATP1A2):c.381+12C>T

Gene: ATP1A2 (ATPase Na+/K+ transporting subunit alpha 2; plus strand). Cytogenetic location: 1q23.2.
Variant type: single nucleotide variant.
Coding change: c.381+12C>T on transcript NM_000702.4 (MANE Select); 12 bases into the intron after coding-DNA position 381, C replaced by T.
Molecular consequence: intron variant.
Genome position (GRCh38, 1-based): chr1:160,123,428, C>T. VCF-style: chr1-160123428-C-T. GRCh37 (hg19) VCF-style: chr1-160093218-C-T.
Identifiers: ClinVar variation 381994 (VCV000381994.8), dbSNP rs368856029, ClinGen allele CA1194166.